The following is an entry in ClinVar:

ClinVar aggregate classification (germline): Uncertain significance (1 of 4 stars; one submission).

Conditions:
Inborn genetic diseases. Identifiers: MedGen C0950123, MeSH D030342.

Submission:

Ambry Genetics
Classification: Uncertain significance for Inborn genetic diseases. Last evaluated: 2024-12-29. Review status: criteria provided, single submitter. Criteria: Ambry Variant Classification Scheme 2023. Collection method: clinical testing. Allele origin: germline.
Comment: The p.G154S variant (also known as c.460G>A), located in coding exon 1 of the SAMD9L gene, results from a G to A substitution at nucleotide position 460. The glycine at codon 154 is replaced by serine, an amino acid with similar properties. This amino acid position is conserved. In addition, this alteration is predicted to be tolerated by in silico analysis. Based on the available evidence, the clinical significance of this variant remains unclear.

NM_152703.5(SAMD9L):c.460G>A (p.Gly154Ser)

Gene: SAMD9L (sterile alpha motif domain containing 9 like; minus strand). Cytogenetic location: 7q21.2.
Variant type: single nucleotide variant.
Coding change: c.460G>A on transcript NM_152703.5 (MANE Select); coding-DNA position 460, G replaced by A.
Protein change: p.Gly154Ser; replaces glycine 154 with serine.
Molecular consequence: missense variant.
Genome position (GRCh38, 1-based): chr7:93,135,512, C>T on the plus strand (G>A on the coding strand, the complement: SAMD9L is on the minus strand). VCF-style: chr7-93135512-C-T. GRCh37 (hg19) VCF-style: chr7-92764825-C-T.
Other names: c.460G>A, p.Gly154Ser (NM_001303496.3, NM_001303497.3, NM_001303498.3 and 5 more transcripts); short protein forms G154S.
Identifiers: ClinVar variation 3792256 (VCV003792256.1).
Genomic context (GRCh38, chr7:93,135,512, plus strand): 5'-TGTCATGGAACTGATCAAAAGGATATGGCATACAAGTCAATTGTTCAGGTTTTAGCTTAC[C>T]CTTTTTCTTGTGTTTAGCATTTGCTACTTCATCTAACACATTTTCTTTCATAAGAATTGA-3'
Protein context (NP_689916.2, residues 144-164): EVANAKHKKK[Gly154Ser]KLKPEQLTCM